The following is an entry in ClinVar:

ClinVar aggregate classification (germline): Likely pathogenic. Review status: reviewed by expert panel (3 of 4 stars). 5 submissions from 5 submitters: Likely pathogenic (1). 4 of the submissions do not count toward it. Last evaluated 2025-05-12.

Conditions:
Centronuclear myopathy (CNM). Also called: Myotubular myopathy; Centronuclear myopathy, congenital. Identifiers: Orphanet 595, MedGen C0175709, MONDO:0018947. Inheritance: All.
Severe X-linked myotubular myopathy (CNMX). Also called: MYOTUBULAR MYOPATHY 1; Myotubular myopathy, X-linked; X-linked centronuclear myopathy. Identifiers: Orphanet 596, MedGen C0410203, MONDO:0010683, OMIM 310400.

Submissions (5):

ClinGen Congenital Myopathies Variant Curation Expert Panel, ClinGen
Classification: Likely pathogenic for Centronuclear myopathy. Last evaluated: 2025-05-12. Review status: reviewed by expert panel. Criteria: ClinGen CongenMyopathy ACMG Specifications MTM1 V1.0.0. Collection method: curation. Allele origin: germline. Inheritance: X-linked inheritance.
Comment: The NM_000252.3:c.688T>C variant in MTM1 is a missense variant predicted to cause substitution of tryptophan by arginine at amino acid 230 (p.Trp230Arg). This variant is absent from gnomAD v4.1.0 (PM2_supporting). The computational predictor REVEL gives a score of 0.932, which is above the threshold of 0.7, evidence that correlates with impact to MTM1 function (PP3). This variant has been reported in 3 probands with X-linked myotubular myopathy (PS4_moderate; PMIDs: 15725586, 30884204, Invitae Internal Data). At least one patient with this variant displayed round muscle fibers that were both peripheral halo and centrally located (PP4_moderate; PMID: 30884204). In summary, this variant meets the criteria to be classified as likely pathogenic for X-linked centronuclear myopathy based on the ACMG/AMP criteria applied, as specified by the ClinGen Congenital Myopathies VCEP: PS4_moderate, PP4_moderate, PM2_supporting, PP3 (ClinGen Congenital Myopathies VCEP Specifications Version 1.0.0; 5/12/2025).

Labcorp Genetics (formerly Invitae), Labcorp
Classification: Likely pathogenic for Severe X-linked myotubular myopathy. Last evaluated: 2023-06-03. Review status: criteria provided, single submitter. Criteria: Invitae Variant Classification Sherloc (09022015). Collection method: clinical testing. Allele origin: germline. Not counted in ClinVar's aggregate classification.
Comment: In summary, the currently available evidence indicates that the variant is pathogenic, but additional data are needed to prove that conclusively. Therefore, this variant has been classified as Likely Pathogenic. This variant disrupts the p.Trp630 amino acid residue in MTM1. Other variant(s) that disrupt this residue have been observed in individuals with MTM1-related conditions (PMID: 10063835, 30884204), which suggests that this may be a clinically significant amino acid residue. This sequence change replaces tryptophan, which is neutral and slightly polar, with arginine, which is basic and polar, at codon 230 of the MTM1 protein (p.Trp230Arg). This variant is not present in population databases (gnomAD no frequency). This missense change has been observed in individuals with X-linked centronuclear myopathy (PMID: 30884204; Invitae). ClinVar contains an entry for this variant (Variation ID: 92677). Advanced modeling of protein sequence and biophysical properties (such as structural, functional, and spatial information, amino acid conservation, physicochemical variation, residue mobility, and thermodynamic stability) performed at Invitae indicates that this missense variant is expected to disrupt MTM1 protein function.

Women's Health and Genetics/Laboratory Corporation of America, LabCorp
Classification: Likely pathogenic for Severe X-linked myotubular myopathy. Last evaluated: 2020-11-02. Review status: criteria provided, single submitter. Criteria: LabCorp Variant Classification Summary - May 2015. Collection method: clinical testing. Allele origin: germline. Not counted in ClinVar's aggregate classification.
Comment: Variant summary: MTM1 c.688T>C (p.Trp230Arg) results in a non-conservative amino acid change located in the Myotubularin-like phosphatase domain (IPR010569) of the encoded protein sequence. Five of five in-silico tools predict a damaging effect of the variant on protein function. The variant was absent in 182821 control chromosomes (gnomAD). p.Trp230Arg has been reported in the literature in individuals affected with Severe X-Linked Myotubular Myopathy following testing via sequencing technologies (e.g. Tsai_2005, Nishikawa_2019). These data indicate that the variant may be associated with disease. To our knowledge, no experimental evidence demonstrating an impact on protein function has been reported. No clinical diagnostic laboratories have submitted clinical-significance assessments for this variant to ClinVar after 2014. Based on the evidence outlined above, the variant was classified as likely pathogenic.

Genetic Services Laboratory, University of Chicago
Classification: Pathogenic for Myotubular myopathy, X-linked. Last evaluated: 2013-02-08. Review status: criteria provided, single submitter. Criteria: ACMG Guidelines, 2007. Collection method: clinical testing. Allele origin: germline. Inheritance: X-linked inheritance. Affected: yes. Not counted in ClinVar's aggregate classification.

Eurofins Ntd Llc (ga)
Classification: Uncertain significance. Last evaluated: 2013-03-18. Review status: flagged submission. Criteria: EGL Classification Definitions 2015. Collection method: clinical testing. Allele origin: germline. Observed: 1 variant allele, 1 heterozygote. Not counted in ClinVar's aggregate classification.
ClinVar note: Reason: Conflicts with expert reviewed submission without evidence to support different classification

Literature cited by the submitters: PubMed 10063835 (cited by Labcorp Genetics (formerly Invitae), Labcorp); PubMed 30884204 (cited by Labcorp Genetics (formerly Invitae), Labcorp and Women's Health and Genetics/Laboratory Corporation of America, LabCorp); PubMed 30047259 (cited by Women's Health and Genetics/Laboratory Corporation of America, LabCorp); PubMed 15725586 (cited by Women's Health and Genetics/Laboratory Corporation of America, LabCorp).

NM_000252.3(MTM1):c.688T>C (p.Trp230Arg)

Gene: MTM1 (myotubularin 1; plus strand). Cytogenetic location: Xq28.
Variant type: single nucleotide variant.
Coding change: c.688T>C on transcript NM_000252.3 (MANE Select); coding-DNA position 688, T replaced by C.
Protein change: p.Trp230Arg; replaces tryptophan 230 with arginine.
Molecular consequence: missense variant.
Genome position (GRCh38, 1-based): chrX:150,645,692, T>C. VCF-style: chrX-150645692-T-C. GRCh37 (hg19) VCF-style: chrX-149814165-T-C.
Other names: NM_000252.3(MTM1):c.688T>C; c.688T>C, p.Trp230Arg (NM_001376906.1, NM_001376908.1); c.577T>C, p.Trp193Arg (NM_001376907.1); short protein forms W193R.
Identifiers: ClinVar variation 92677 (VCV000092677.15), dbSNP rs398123274, ClinGen allele CA220541.